The following is an entry in ClinVar:

ClinVar aggregate classification (germline): Conflicting classifications of pathogenicity. Review status: criteria provided, conflicting classifications (1 of 4 stars). 3 submissions from 3 submitters: Uncertain significance (2); Benign (1). Last evaluated 2025-05-19.

Conditions:
Hereditary breast ovarian cancer syndrome. Also called: Hereditary breast and ovarian cancer; Breast and ovarian cancer; Hereditary breast and/or ovarian cancer syndrome; Hereditary breast and ovarian cancer syndrome; Hereditary breast and ovarian cancer syndrome (HBOC); BRCA1- and BRCA2-Associated Hereditary Breast and Ovarian Cancer. Identifiers: Orphanet 145, MedGen C0677776, MeSH D061325, MONDO:0003582. Disease mechanism: loss of function.
Hereditary cancer-predisposing syndrome. Also called: Tumor predisposition; Hereditary neoplastic syndrome; Neoplastic Syndromes, Hereditary; Hereditary Cancer Syndrome. Identifiers: Orphanet 140162, MedGen C0027672, MeSH D009386, MONDO:0015356.

Allele frequency attached by ClinVar (database versions not stated): gnomAD exomes below 0.00001; TOPMed below 0.00001; gnomAD 0.00001.

Submissions (3):

Ambry Genetics
Classification: Benign for Hereditary cancer-predisposing syndrome. Last evaluated: 2025-05-19. Review status: criteria provided, single submitter. Criteria: Ambry Variant Classification Scheme 2023. Collection method: clinical testing. Allele origin: germline.

Labcorp Genetics (formerly Invitae), Labcorp
Classification: Uncertain significance for Hereditary breast ovarian cancer syndrome. Last evaluated: 2024-10-21. Review status: criteria provided, single submitter. Criteria: Invitae Variant Classification Sherloc (09022015). Collection method: clinical testing. Allele origin: germline.
Comment: This sequence change replaces arginine, which is basic and polar, with isoleucine, which is neutral and non-polar, at codon 2861 of the BRCA2 protein (p.Arg2861Ile). This variant is not present in population databases (gnomAD no frequency). This variant has not been reported in the literature in individuals affected with BRCA2-related conditions. ClinVar contains an entry for this variant (Variation ID: 862283). Invitae Evidence Modeling of protein sequence and biophysical properties (such as structural, functional, and spatial information, amino acid conservation, physicochemical variation, residue mobility, and thermodynamic stability) indicates that this missense variant is not expected to disrupt BRCA2 protein function with a negative predictive value of 95%. In summary, the available evidence is currently insufficient to determine the role of this variant in disease. Therefore, it has been classified as a Variant of Uncertain Significance.

Women's Health and Genetics/Laboratory Corporation of America, LabCorp
Classification: Uncertain significance. Last evaluated: 2024-05-16. Review status: criteria provided, single submitter. Criteria: LabCorp Variant Classification Summary - May 2015. Collection method: clinical testing. Allele origin: germline.
Comment: Variant summary: BRCA2 c.8582G>T (p.Arg2861Ile) results in a non-conservative amino acid change located in the Tower domain (IPR015205) of the encoded protein sequence. Three of five in-silico tools predict a damaging effect of the variant on protein function. The variant was absent in 251220 control chromosomes. The available data on variant occurrences in the general population are insufficient to allow any conclusion about variant significance. c.8582G>T has been reported in the literature in unspecified individuals affected with Breast Cancer, without strong evidence for causality (Pal_2015). These report(s) do not provide unequivocal conclusions about association of the variant with Hereditary Breast And Ovarian Cancer Syndrome. To our knowledge, no experimental evidence demonstrating an impact on protein function has been reported. The following publication has been ascertained in the context of this evaluation (PMID: 26287763). ClinVar contains an entry for this variant (Variation ID: 862283). Based on the evidence outlined above, the variant was classified as uncertain significance.

Literature cited by the submitters: PubMed 26287763 (cited by Women's Health and Genetics/Laboratory Corporation of America, LabCorp).

NM_000059.4(BRCA2):c.8582G>T (p.Arg2861Ile)

Gene: BRCA2 (BRCA2 DNA repair associated; plus strand). Cytogenetic location: 13q13.1.
Variant type: single nucleotide variant.
Coding change: c.8582G>T on transcript NM_000059.4 (MANE Select); coding-DNA position 8582, G replaced by T.
Protein change: p.Arg2861Ile; replaces arginine 2861 with isoleucine.
Molecular consequence: missense variant.
Genome position (GRCh38, 1-based): chr13:32,371,050, G>T. VCF-style: chr13-32371050-G-T. GRCh37 (hg19) VCF-style: chr13-32945187-G-T.
Other names: short protein forms R2861I.
Identifiers: ClinVar variation 862283 (VCV000862283.14), dbSNP rs1225373762, ClinGen allele CA387752842.